The following is an entry in ClinVar:

NM_001330691.3(CEP78):c.254G>A (p.Gly85Asp)

Gene: CEP78 (centrosomal protein 78; plus strand). Cytogenetic location: 9q21.2.
Variant type: single nucleotide variant.
Coding change: c.254G>A on transcript NM_001330691.3 (MANE Select); coding-DNA position 254, G replaced by A.
Protein change: p.Gly85Asp; replaces glycine 85 with aspartic acid.
Molecular consequence: missense variant.
Genome position (GRCh38, 1-based): chr9:78,240,023, G>A. VCF-style: chr9-78240023-G-A. GRCh37 (hg19) VCF-style: chr9-80854939-G-A.
Other names: c.254G>A, p.Gly85Asp (NM_001098802.3, NM_001330693.3, NM_001330694.2 and 4 more transcripts); short protein forms G85D.
Identifiers: ClinVar variation 1005208 (VCV001005208.6), dbSNP rs1826145974, ClinGen allele CA373999587.

ClinVar aggregate classification (germline): Uncertain significance (1 of 4 stars; one submission).

Allele frequency attached by ClinVar (database versions not stated): gnomAD 0.00001; TOPMed 0.00001.
gnomAD v4.1: 3 of 1,566,094 alleles (0.00019%); highest among the groups gnomAD compares: Admixed American, 0.0023%; no homozygotes.

Submission:

Labcorp Genetics (formerly Invitae), Labcorp
Classification: Uncertain significance. Last evaluated: 2022-03-10. Review status: criteria provided, single submitter. Criteria: Invitae Variant Classification Sherloc (09022015). Collection method: clinical testing. Allele origin: germline.
Comment: ClinVar contains an entry for this variant (Variation ID: 1005208). In summary, the available evidence is currently insufficient to determine the role of this variant in disease. Therefore, it has been classified as a Variant of Uncertain Significance. Algorithms developed to predict the effect of missense changes on protein structure and function are either unavailable or do not agree on the potential impact of this missense change (SIFT: "Tolerated"; PolyPhen-2: "Possibly Damaging"; Align-GVGD: "Class C0"). This variant has not been reported in the literature in individuals affected with CEP78-related conditions. This variant is not present in population databases (gnomAD no frequency). This sequence change replaces glycine, which is neutral and non-polar, with aspartic acid, which is acidic and polar, at codon 85 of the CEP78 protein (p.Gly85Asp).